The following is an entry in ClinVar:

NM_004859.4(CLTC):c.4517A>C (p.Glu1506Ala)

Genes: CLTC (clathrin heavy chain; plus strand), LOC125177523 (Sharpr-MPRA regulatory region 12460; plus strand). Cytogenetic location: 17q23.1.
Variant type: single nucleotide variant.
Coding change: c.4517A>C on transcript NM_004859.4 (MANE Select); coding-DNA position 4517, A replaced by C.
Protein change: p.Glu1506Ala; replaces glutamic acid 1506 with alanine.
Molecular consequence: missense variant.
Genome position (GRCh38, 1-based): chr17:59,685,138, A>C. VCF-style: chr17-59685138-A-C. GRCh37 (hg19) VCF-style: chr17-57762499-A-C.
Other names: c.4529A>C, p.Glu1510Ala (NM_001288653.2); short protein forms E1506A, E1510A.
Identifiers: ClinVar variation 2102428 (VCV002102428.4), dbSNP rs2509157727, ClinGen allele CA400421853.

ClinVar aggregate classification (germline): Uncertain significance (1 of 4 stars; one submission).

Submission:

Labcorp Genetics (formerly Invitae), Labcorp
Classification: Uncertain significance. Last evaluated: 2022-02-23. Review status: criteria provided, single submitter. Criteria: Invitae Variant Classification Sherloc (09022015). Collection method: clinical testing. Allele origin: germline.
Comment: In summary, the available evidence is currently insufficient to determine the role of this variant in disease. Therefore, it has been classified as a Variant of Uncertain Significance. Algorithms developed to predict the effect of missense changes on protein structure and function are either unavailable or do not agree on the potential impact of this missense change (SIFT: "Tolerated"; PolyPhen-2: "Not Available"; Align-GVGD: "Class C0"). This variant has not been reported in the literature in individuals affected with CLTC-related conditions. This variant is not present in population databases (gnomAD no frequency). This sequence change replaces glutamic acid, which is acidic and polar, with alanine, which is neutral and non-polar, at codon 1510 of the CLTC protein (p.Glu1510Ala).